The following is an entry in ClinVar:

ClinVar aggregate classification (germline): Uncertain significance (1 of 4 stars; one submission).

gnomAD v4.1: 4 of 1,614,132 alleles (0.00025%); highest among the groups gnomAD compares: Non-Finnish European, 0.00034%; no homozygotes.

Submission:

Labcorp Genetics (formerly Invitae), Labcorp
Classification: Uncertain significance. Last evaluated: 2024-07-26. Review status: criteria provided, single submitter. Criteria: Invitae Variant Classification Sherloc (09022015). Collection method: clinical testing. Allele origin: germline.
Comment: This sequence change replaces tyrosine, which is neutral and polar, with cysteine, which is neutral and slightly polar, at codon 1909 of the KAT6A protein (p.Tyr1909Cys). This variant is present in population databases (rs780887472, gnomAD 0.0009%). This variant has not been reported in the literature in individuals affected with KAT6A-related conditions. Experimental studies and prediction algorithms are not available or were not evaluated, and the functional significance of this variant is currently unknown. In summary, the available evidence is currently insufficient to determine the role of this variant in disease. Therefore, it has been classified as a Variant of Uncertain Significance.

NM_006766.5(KAT6A):c.5726A>G (p.Tyr1909Cys)

Gene: KAT6A (lysine acetyltransferase 6A; minus strand). Cytogenetic location: 8p11.21.
Variant type: single nucleotide variant.
Coding change: c.5726A>G on transcript NM_006766.5 (MANE Select); coding-DNA position 5726, A replaced by G.
Protein change: p.Tyr1909Cys; replaces tyrosine 1909 with cysteine.
Molecular consequence: missense variant.
Genome position (GRCh38, 1-based): chr8:41,932,494, T>C on the plus strand (A>G on the coding strand, the complement: KAT6A is on the minus strand). VCF-style: chr8-41932494-T-C. GRCh37 (hg19) VCF-style: chr8-41790012-T-C.
Other names: short protein forms Y1909C.
Identifiers: ClinVar variation 3632670 (VCV003632670.2).